The following is an entry in ClinVar:

ClinVar aggregate classification (germline): Uncertain significance (1 of 4 stars; one submission).

Submission:

Labcorp Genetics (formerly Invitae), Labcorp
Classification: Uncertain significance. Last evaluated: 2020-12-22. Review status: criteria provided, single submitter. Criteria: Invitae Variant Classification Sherloc (09022015). Collection method: clinical testing. Allele origin: germline.
Comment: In summary, the available evidence is currently insufficient to determine the role of this variant in disease. Therefore, it has been classified as a Variant of Uncertain Significance. Algorithms developed to predict the effect of missense changes on protein structure and function are either unavailable or do not agree on the potential impact of this missense change (SIFT: "Deleterious"; PolyPhen-2: "Possibly Damaging"; Align-GVGD: "Class C0"). This variant has not been reported in the literature in individuals with CCDC88A-related conditions. This variant is not present in population databases (ExAC no frequency). This sequence change replaces lysine with asparagine at codon 241 of the CCDC88A protein (p.Lys241Asn). The lysine residue is moderately conserved and there is a moderate physicochemical difference between lysine and asparagine.

NM_001365480.1(CCDC88A):c.723G>C (p.Lys241Asn)

Gene: CCDC88A (coiled-coil and HOOK domain protein 88A; minus strand). Cytogenetic location: 2p16.1.
Variant type: single nucleotide variant.
Coding change: c.723G>C on transcript NM_001365480.1 (MANE Select); coding-DNA position 723, G replaced by C.
Protein change: p.Lys241Asn; replaces lysine 241 with asparagine.
Molecular consequence: missense variant.
Genome position (GRCh38, 1-based): chr2:55,355,656, C>G on the plus strand (G>C on the coding strand, the complement: CCDC88A is on the minus strand). VCF-style: chr2-55355656-C-G. GRCh37 (hg19) VCF-style: chr2-55582792-C-G.
Other names: c.723G>C, p.Lys241Asn (NM_001135597.2, NM_001254943.2, NM_018084.5); short protein forms K241N.
Identifiers: ClinVar variation 1496210 (VCV001496210.8), dbSNP rs1303423142, ClinGen allele CA346909892.